The following is an entry in ClinVar:

ClinVar aggregate classification (germline): Uncertain significance (1 of 4 stars; one submission).

Conditions:
Glycine encephalopathy. Also called: Non-ketotic hyperglycinemia; Nonketotic hyperglycinemia. Identifiers: Orphanet 407, MedGen C0751748, MONDO:0011612, HP:0008288.

Allele frequency attached by ClinVar (database versions not stated): TOPMed below 0.00001.

Submission:

Labcorp Genetics (formerly Invitae), Labcorp
Classification: Uncertain significance for Glycine encephalopathy. Last evaluated: 2022-06-22. Review status: criteria provided, single submitter. Criteria: Invitae Variant Classification Sherloc (09022015). Collection method: clinical testing. Allele origin: germline.
Comment: This sequence change replaces tyrosine, which is neutral and polar, with histidine, which is basic and polar, at codon 673 of the GLDC protein (p.Tyr673His). This variant is not present in population databases (gnomAD no frequency). In summary, the available evidence is currently insufficient to determine the role of this variant in disease. Therefore, it has been classified as a Variant of Uncertain Significance. Advanced modeling of protein sequence and biophysical properties (such as structural, functional, and spatial information, amino acid conservation, physicochemical variation, residue mobility, and thermodynamic stability) performed at Invitae indicates that this missense variant is not expected to disrupt GLDC protein function. This variant has not been reported in the literature in individuals affected with GLDC-related conditions.

NM_000170.3(GLDC):c.2017T>C (p.Tyr673His)

Gene: GLDC (glycine decarboxylase; minus strand). Cytogenetic location: 9p24.1.
Variant type: single nucleotide variant.
Coding change: c.2017T>C on transcript NM_000170.3 (MANE Select); coding-DNA position 2017, T replaced by C.
Protein change: p.Tyr673His; replaces tyrosine 673 with histidine.
Molecular consequence: missense variant.
Genome position (GRCh38, 1-based): chr9:6,558,594, A>G on the plus strand (T>C on the coding strand, the complement: GLDC is on the minus strand). VCF-style: chr9-6558594-A-G. GRCh37 (hg19) VCF-style: chr9-6558594-A-G.
Other names: short protein forms Y673H.
Identifiers: ClinVar variation 1965486 (VCV001965486.5), dbSNP rs1817683723, ClinGen allele CA372881872.